The following is an entry in ClinVar:

NM_006031.6(PCNT):c.9235T>C (p.Leu3079=)

Gene: PCNT (pericentrin; plus strand). Cytogenetic location: 21q22.3.
Variant type: single nucleotide variant.
Coding change: c.9235T>C on transcript NM_006031.6 (MANE Select); coding-DNA position 9235, T replaced by C.
Protein change: p.Leu3079=; no amino-acid change (leucine 3079 retained).
Molecular consequence: synonymous variant.
Genome position (GRCh38, 1-based): chr21:46,438,299, T>C. VCF-style: chr21-46438299-T-C. GRCh37 (hg19) VCF-style: chr21-47858212-T-C.
Other names: c.8644T>C, p.Leu2882= (NM_001315529.2).
Identifiers: ClinVar variation 897852 (VCV000897852.28), dbSNP rs144651746, ClinGen allele CA10081237.
Genomic context (GRCh38, chr21:46,438,299, plus strand): 5'-CTCAGCACGGTGACCCAGGAGAAGCTGGAGCTGAGCAGAGCCGTGTCTAAGCTTGAGAAG[T>C]TGCTGAAGCACCATCTGCAGAAGGGCTGCAGCCCAAGCGTAGGTGTCTGTGCTTAACTCT-3'
Protein context (NP_006022.3, residues 3069-3089): LSRAVSKLEK[Leu3079=]LKHHLQKGCS

ClinVar aggregate classification (germline): Conflicting classifications of pathogenicity. Review status: criteria provided, conflicting classifications (1 of 4 stars). 5 submissions from 5 submitters: Uncertain significance (1); Likely benign (3). 1 of the submissions does not count toward it. Last evaluated 2025-12-22.

Conditions:
Microcephalic osteodysplastic primordial dwarfism type II (MOPD2). Also called: MOPD II; OSTEODYSPLASTIC PRIMORDIAL DWARFISM, TYPE II; Microcephalic osteodysplastic primordial dwarfism with tooth abnormalities. Identifiers: MedGen C0432246, MONDO:0008872, OMIM 210720, Orphanet 2637.
PCNT-related disorder. Also called: PCNT-related condition.

Allele frequency attached by ClinVar (database versions not stated): gnomAD 0.00007 and 0.00009; TOPMed 0.00008; gnomAD exomes 0.00009 and 0.00013; ExAC 0.00012; ESP Exome Variant Server 0.00031.

Submissions (5):

Labcorp Genetics (formerly Invitae), Labcorp
Classification: Likely benign. Last evaluated: 2025-12-22. Review status: criteria provided, single submitter. Criteria: Invitae Variant Classification Sherloc (09022015). Collection method: clinical testing. Allele origin: germline.

CeGaT Center for Human Genetics Tuebingen
Classification: Likely benign. Last evaluated: 2024-06-01. Review status: criteria provided, single submitter. Criteria: CeGaT Center For Human Genetics Tuebingen Variant Classification Criteria Version 2. Collection method: clinical testing. Allele origin: germline. Affected: yes. Observed: 1 variant allele.
Comment: PCNT: BP4, BP7

Blueprint Genetics
Classification: Likely benign. Last evaluated: 2023-12-15. Review status: criteria provided, single submitter. Criteria: ACMG Guidelines, 2015. Collection method: clinical testing. Allele origin: germline.

Illumina Laboratory Services, Illumina
Classification: Uncertain significance for Microcephalic osteodysplastic primordial dwarfism type II. Last evaluated: 2018-01-12. Review status: criteria provided, single submitter. Criteria: ICSL Variant Classification Criteria 13 December 2019. Collection method: clinical testing. Allele origin: germline.

PreventionGenetics, part of Exact Sciences
Classification: Likely benign for PCNT-related condition. Last evaluated: 2023-01-30. Review status: no assertion criteria provided. Collection method: clinical testing. Allele origin: germline. Not counted in ClinVar's aggregate classification.
Comment: This variant is classified as likely benign based on ACMG/AMP sequence variant interpretation guidelines (Richards et al. 2015 PMID: 25741868, with internal and published modifications).